The following is an entry in ClinVar:

NM_000038.6(APC):c.5331del (p.Lys1777fs)

Gene: APC (APC regulator of Wnt signaling pathway; plus strand). Cytogenetic location: 5q22.2.
Variant type: Deletion.
Coding change: c.5331del on transcript NM_000038.6 (MANE Select); coding-DNA position 5331, one base deleted (A; older notation c.5331delA).
Protein change: p.Lys1777fs; shifts the reading frame from lysine 1777.
Molecular consequence: frameshift variant. On other transcripts: non-coding transcript variant (2).
Genome position (GRCh38, 1-based): chr5:112,840,925, A deleted; the last of 4 consecutive A bases (chr5:112,840,922-112,840,925); deleting any one gives the same sequence. VCF-style (leftmost placement, unchanged base first): chr5-112840921-TA-T. GRCh37 (hg19) VCF-style: chr5-112176618-TA-T.
Other names: c.5331del, p.Lys1777fs (NM_001127510.3, NM_001354895.2, NM_001407450.1); c.5277del, p.Lys1759fs (NM_001127511.3); c.5385del, p.Lys1795fs (NM_001354896.2, NM_001407447.1, NM_001407448.1 and 1 more transcripts); c.5361del, p.Lys1787fs (NM_001354897.2); c.5256del, p.Lys1752fs (NM_001354898.2); c.5247del, p.Lys1749fs (NM_001354899.2); c.5208del, p.Lys1736fs (NM_001354900.2); c.5154del, p.Lys1718fs (NM_001354901.2, NM_001407453.1); and 11 more; short protein forms K1393fs, K1494fs, K1617fs, K1648fs, K1651fs, K1676fs, K1686fs, K1694fs.
Identifiers: ClinVar variation 2583291 (VCV002583291.1), dbSNP rs2533636935, ClinGen allele CA2582341431.

ClinVar aggregate classification (germline): Pathogenic (1 of 4 stars; one submission).

Conditions:
Familial adenomatous polyposis 1 (FAP1). Also called: POLYPOSIS, ADENOMATOUS INTESTINAL; FAMILIAL ADENOMATOUS POLYPOSIS 1, ATTENUATED. Identifiers: MedGen C2713442, MONDO:0021056, OMIM 175100. Disease mechanism: loss of function.

Submission:

Myriad Genetics, Inc.
Classification: Pathogenic for Familial adenomatous polyposis 1. Last evaluated: 2023-05-12. Review status: criteria provided, single submitter. Criteria: Myriad Autosomal Dominant, Autosomal Recessive and X-Linked Classification Criteria (2023). Collection method: clinical testing. Allele origin: unknown.
Comment: This variant is considered pathogenic. This variant creates a frameshift predicted to result in premature protein truncation.